The following is an entry in ClinVar:

NM_198407.2(GHSR):c.422G>T (p.Arg141Leu)

Gene: GHSR (growth hormone secretagogue receptor; minus strand). Cytogenetic location: 3q26.31.
Variant type: single nucleotide variant.
Coding change: c.422G>T on transcript NM_198407.2 (MANE Select); coding-DNA position 422, G replaced by T.
Protein change: p.Arg141Leu; replaces arginine 141 with leucine.
Molecular consequence: missense variant.
Genome position (GRCh38, 1-based): chr3:172,447,992, C>A on the plus strand (G>T on the coding strand, the complement: GHSR is on the minus strand). VCF-style: chr3-172447992-C-A. GRCh37 (hg19) VCF-style: chr3-172165782-C-A.
Other names: c.422G>T, p.Arg141Leu (NM_004122.2); short protein forms R141L.
Identifiers: ClinVar variation 1187869 (VCV001187869.10), dbSNP rs199698243, ClinGen allele CA355514544.

ClinVar aggregate classification (germline): Uncertain significance. Review status: criteria provided, multiple submitters, no conflicts (2 of 4 stars). 2 submissions from 2 submitters: Uncertain significance (2). Last evaluated 2026-08-13.

gnomAD v4.1: 2 of 1,614,186 alleles (0.00012%); highest among the groups gnomAD compares: Middle Eastern, 0.016%; no homozygotes.

Submissions (2):

GeneDx
Classification: Uncertain significance. Last evaluated: 2026-08-13. Review status: criteria provided, single submitter. Criteria: GeneDx Variant Classification Process June 2021. Collection method: clinical testing. Allele origin: germline.
Comment: Reported previously as heterozygous by exome sequencing in a patient with growth failure (PMID: 36703223); Not observed at significant frequency in large population cohorts (gnomAD); In silico analysis supports that this missense variant has a deleterious effect on protein structure/function; This variant is associated with the following publications: (PMID: 36703223)

Dubai Health Genomic Medicine Center, Dubai Health
Classification: Uncertain significance. Last evaluated: 2022-12-17. Review status: criteria provided, single submitter. Criteria: ACMG Guidelines, 2015. Collection method: clinical testing. Allele origin: germline. Affected: yes.